The following is an entry in ClinVar:

NM_000138.5(FBN1):c.8130C>T (p.Leu2710=)

Gene: FBN1 (fibrillin 1; minus strand). Cytogenetic location: 15q21.1.
Variant type: single nucleotide variant.
Coding change: c.8130C>T on transcript NM_000138.5 (MANE Select); coding-DNA position 8130, C replaced by T.
Protein change: p.Leu2710=; no amino-acid change (leucine 2710 retained).
Molecular consequence: synonymous variant.
Genome position (GRCh38, 1-based): chr15:48,412,665, G>A on the plus strand (C>T on the coding strand, the complement: FBN1 is on the minus strand). VCF-style: chr15-48412665-G-A. GRCh37 (hg19) VCF-style: chr15-48704862-G-A.
Identifiers: ClinVar variation 264444 (VCV000264444.20), dbSNP rs372105662, ClinGen allele CA059646.

ClinVar aggregate classification (germline): Likely benign. Review status: criteria provided, multiple submitters, no conflicts (2 of 4 stars). 5 submissions from 5 submitters: Likely benign (5). Last evaluated 2025-12-31.

Conditions:
Marfan syndrome (MFS). Also called: MARFAN SYNDROME, TYPE I; FBN1-Related Marfan Syndrome; Marfan syndrome, classic; Marfan syndrome type 1; Marfan's syndrome. Identifiers: Orphanet 284963, Orphanet 558, MedGen C0024796, MONDO:0007947, OMIM 154700.
Familial thoracic aortic aneurysm and aortic dissection (TAAD). Also called: Thoracic aortic aneurysms and dissections. Identifiers: Orphanet 91387, MedGen C4707243, MONDO:0019625.

Allele frequency attached by ClinVar (database versions not stated): gnomAD exomes 0.00001 and 0.00002; ExAC 0.00002; gnomAD 0.00002; TOPMed 0.00003; ESP Exome Variant Server 0.00008.
gnomAD v4.1: 28 of 1,614,134 alleles (0.0017%); highest among the groups gnomAD compares: Non-Finnish European, 0.0024%; no homozygotes.

Submissions (5):

Labcorp Genetics (formerly Invitae), Labcorp
Classification: Likely benign for Marfan syndrome; Familial thoracic aortic aneurysm and aortic dissection. Last evaluated: 2025-12-31. Review status: criteria provided, single submitter. Criteria: Invitae Variant Classification Sherloc (09022015). Collection method: clinical testing. Allele origin: germline.

All of Us Research Program, National Institutes of Health
Classification: Likely benign for Marfan syndrome. Last evaluated: 2023-12-01. Review status: criteria provided, single submitter. Criteria: ACMG Guidelines, 2015. Collection method: clinical testing. Allele origin: germline. Inheritance: Autosomal dominant inheritance. Observed: 4 variant alleles, 4 heterozygotes.
Comment: This study involves interpretation of variants in research participants for the purpose of population health screening. Participant phenotype was not available at the time of variant classification. Additional details can be found in publication PMID: 35346344, PMCID: PMC8962531

Blueprint Genetics
Classification: Likely benign. Last evaluated: 2020-04-01. Review status: criteria provided, single submitter. Criteria: ACMG Guidelines, 2015. Collection method: clinical testing. Allele origin: germline.

Color Diagnostics, LLC DBA Color Health
Classification: Likely benign for Familial thoracic aortic aneurysm and aortic dissection. Last evaluated: 2018-10-16. Review status: criteria provided, single submitter. Criteria: ACMG Guidelines, 2015. Collection method: clinical testing. Allele origin: germline.

Ambry Genetics
Classification: Likely benign for Familial thoracic aortic aneurysm and aortic dissection. Last evaluated: 2015-10-16. Review status: criteria provided, single submitter. Criteria: Ambry Variant Classification Scheme 2023. Collection method: clinical testing. Allele origin: germline.